The following is an entry in ClinVar:

NM_000069.3(CACNA1S):c.3287G>A (p.Arg1096His)

Gene: CACNA1S (calcium voltage-gated channel subunit alpha1 S; minus strand). Cytogenetic location: 1q32.1.
Variant type: single nucleotide variant.
Coding change: c.3287G>A on transcript NM_000069.3 (MANE Select); coding-DNA position 3287, G replaced by A.
Protein change: p.Arg1096His; replaces arginine 1096 with histidine.
Molecular consequence: missense variant.
Genome position (GRCh38, 1-based): chr1:201,060,785, C>T on the plus strand (G>A on the coding strand, the complement: CACNA1S is on the minus strand). VCF-style: chr1-201060785-C-T. GRCh37 (hg19) VCF-style: chr1-201029913-C-T.
Other names: short protein forms R1096H.
Identifiers: ClinVar variation 446960 (VCV000446960.15), dbSNP rs142102094, ClinGen allele CA079631.

ClinVar aggregate classification (germline): Conflicting classifications of pathogenicity. Review status: criteria provided, conflicting classifications (1 of 4 stars). 7 submissions from 7 submitters: Uncertain significance (5); Likely benign (2). Last evaluated 2025-06-05.

Conditions:
Congenital myopathy 18. Also called: DIHYDROPYRIDINE RECEPTOR CONGENITAL MYOPATHY; DHPR CONGENITAL MYOPATHY; Myopathy, congenital, due to dihydropyridine receptor defect. Identifiers: MedGen C5830283, MONDO:0859514, OMIM 620246.
Thyrotoxic periodic paralysis, susceptibility to, 1 (TTPP1). Identifiers: Orphanet 79102, MedGen C2749982, MONDO:0008570, OMIM 188580.
Malignant hyperthermia, susceptibility to, 5 (MHS5). Also called: CACNA1S-Related Malignant Hyperthermia Susceptibility. Identifiers: Orphanet 423, MedGen C1866077, MONDO:0011163, OMIM 601887.
Hypokalemic periodic paralysis, type 1. Also called: Hypokalemic Periodic Paralysis Type 1 (AD); HypoPP. Identifiers: Orphanet 681, MedGen C3714580, MONDO:0042979, OMIM 170400.
Intellectual disability. Also called: Intellectual developmental disorder; Intellectual functioning disability; intellectual disabilities. Identifiers: MedGen C3714756, MeSH D008607, MONDO:0001071, HP:0001249.

Allele frequency attached by ClinVar (database versions not stated): gnomAD exomes 0.00008 and 0.00002; ExAC 0.00012; 1000 Genomes Project 30x 0.00016; ESP Exome Variant Server 0.00008; TOPMed 0.00017; gnomAD 0.00014; 1000 Genomes Project 0.00020.
gnomAD v4.1: 55 of 1,614,158 alleles (0.0034%); highest among the groups gnomAD compares: East Asian, 0.033%; no homozygotes.

Submissions (7):

Labcorp Genetics (formerly Invitae), Labcorp
Classification: Likely benign for Hypokalemic periodic paralysis, type 1; Malignant hyperthermia, susceptibility to, 5. Last evaluated: 2025-06-05. Review status: criteria provided, single submitter. Criteria: Invitae Variant Classification Sherloc (09022015). Collection method: clinical testing. Allele origin: germline.

All of Us Research Program, National Institutes of Health
Classification: Uncertain significance for Malignant hyperthermia, susceptibility to, 5. Last evaluated: 2024-09-27. Review status: criteria provided, single submitter. Criteria: ACMG Guidelines, 2015. Collection method: clinical testing. Allele origin: germline. Inheritance: Autosomal dominant inheritance. Observed: 18 variant alleles, 18 heterozygotes.
Comment: This missense variant replaces arginine with histidine at codon 1096 of the CACNA1S protein. Computational prediction is inconclusive regarding the impact of this variant on protein structure and function (internally defined REVEL score threshold 0.5 < inconclusive < 0.7, PMID: 27666373). To our knowledge, functional studies have not been reported for this variant. This variant has not been reported in individuals affected with CACNA1S-related disorders in the literature. This variant has been identified in 24/282876 chromosomes in the general population by the Genome Aggregation Database (gnomAD). The available evidence is insufficient to determine the role of this variant in disease conclusively. Therefore, this variant is classified as a Variant of Uncertain Significance.

This study involves interpretation of variants in research participants for the purpose of population health screening. Participant phenotype was not available at the time of variant classification. Additional details can be found in publication PMID: 35346344, PMCID: PMC8962531

Fulgent Genetics
Classification: Uncertain significance for Hypokalemic periodic paralysis, type 1; Thyrotoxic periodic paralysis, susceptibility to, 1; Malignant hyperthermia, susceptibility to, 5; Congenital myopathy 18. Last evaluated: 2024-04-25. Review status: criteria provided, single submitter. Criteria: ACMG Guidelines, 2015. Collection method: clinical testing. Allele origin: germline.

Color Diagnostics, LLC DBA Color Health
Classification: Uncertain significance for Malignant hyperthermia, susceptibility to, 5. Last evaluated: 2024-03-28. Review status: criteria provided, single submitter. Criteria: ACMG Guidelines, 2015. Collection method: clinical testing. Allele origin: germline.
Comment: This missense variant replaces arginine with histidine at codon 1096 of the CACNA1S protein. Computational prediction is inconclusive regarding the impact of this variant on protein structure and function. To our knowledge, functional studies have not been reported for this variant. This variant has not been reported in individuals affected with CACNA1S-related disorders in the literature. This variant has been identified in 24/282876 chromosomes in the general population by the Genome Aggregation Database (gnomAD). The available evidence is insufficient to determine the role of this variant in disease conclusively. Therefore, this variant is classified as a Variant of Uncertain Significance.

GeneDx
Classification: Uncertain significance. Last evaluated: 2022-11-10. Review status: criteria provided, single submitter. Criteria: GeneDx Variant Classification Process June 2021. Collection method: clinical testing. Allele origin: germline. Affected: yes.
Comment: In silico analysis supports that this missense variant has a deleterious effect on protein structure/function; Has not been previously published as pathogenic or benign to our knowledge

Cambridge Genomics Laboratory, East Genomic Laboratory Hub, NHS Genomic Medicine Service
Classification: Uncertain significance for Intellectual disability. Last evaluated: 2019-11-13. Review status: criteria provided, single submitter. Criteria: ACGS Best Practice Guidelines for Variant Classification in Rare Disease 2020. Collection method: clinical testing. Allele origin: germline. Affected: yes. Observed: 1 variant allele.

Athena Diagnostics
Classification: Likely benign. Last evaluated: 2017-02-09. Review status: criteria provided, single submitter. Criteria: Athena Diagnostics Criteria. Collection method: clinical testing. Allele origin: germline.